The following is an entry in ClinVar:

ClinVar aggregate classification (germline): Uncertain significance. Review status: criteria provided, multiple submitters, no conflicts (2 of 4 stars). 2 submissions from 2 submitters: Uncertain significance (2). Last evaluated 2025-10-17.

Allele frequency attached by ClinVar (database versions not stated): gnomAD 0.00001; gnomAD exomes 0.00001 and 0.00002; TOPMed 0.00001; ExAC 0.00003.
gnomAD v4.1: 36 of 1,613,950 alleles (0.0022%); highest among the groups gnomAD compares: Non-Finnish European, 0.0031%; no homozygotes.

Submissions (2):

Labcorp Genetics (formerly Invitae), Labcorp
Classification: Uncertain significance. Last evaluated: 2025-10-17. Review status: criteria provided, single submitter. Criteria: Invitae Variant Classification Sherloc (09022015). Collection method: clinical testing. Allele origin: germline.
Comment: This sequence change replaces leucine, which is neutral and non-polar, with proline, which is neutral and non-polar, at codon 1082 of the A2ML1 protein (p.Leu1082Pro). This variant is present in population databases (rs767438012, gnomAD 0.004%). This variant has not been reported in the literature in individuals affected with A2ML1-related conditions. ClinVar contains an entry for this variant (Variation ID: 1054496). An algorithm developed to predict the effect of missense changes on protein structure and function outputs the following: PolyPhen-2: "Probably Damaging". The proline amino acid residue is found in multiple mammalian species, which suggests that this missense change does not adversely affect protein function. In summary, the available evidence is currently insufficient to determine the role of this variant in disease. Therefore, it has been classified as a Variant of Uncertain Significance.

Ambry Genetics
Classification: Uncertain significance. Last evaluated: 2025-09-25. Review status: criteria provided, single submitter. Criteria: Ambry Variant Classification Scheme 2023. Collection method: clinical testing. Allele origin: germline.

NM_144670.6(A2ML1):c.3245T>C (p.Leu1082Pro)

Gene: A2ML1 (alpha-2-macroglobulin like 1; plus strand). Cytogenetic location: 12p13.31.
Variant type: single nucleotide variant.
Coding change: c.3245T>C on transcript NM_144670.6 (MANE Select); coding-DNA position 3245, T replaced by C.
Protein change: p.Leu1082Pro; replaces leucine 1082 with proline.
Molecular consequence: missense variant.
Genome position (GRCh38, 1-based): chr12:8,858,083, T>C. VCF-style: chr12-8858083-T-C. GRCh37 (hg19) VCF-style: chr12-9010679-T-C.
Other names: c.1772T>C, p.Leu591Pro (NM_001282424.3); c.3245T>C (NM_144670.3); short protein forms L1082P, L591P.
Identifiers: ClinVar variation 1054496 (VCV001054496.10), dbSNP rs767438012, ClinGen allele CA6436296.